The following is an entry in ClinVar:

ClinVar aggregate classification (germline): Uncertain significance (1 of 4 stars; one submission).

gnomAD v4.1: 1 of 1,613,970 alleles (0.000062%); highest among the groups gnomAD compares: Non-Finnish European, 0.000085%; no homozygotes.

Submission:

GeneDx
Classification: Uncertain significance. Last evaluated: 2026-03-27. Review status: criteria provided, single submitter. Criteria: GeneDx Variant Classification Process June 2021. Collection method: clinical testing. Allele origin: germline.
Comment: Not observed at significant frequency in large population cohorts (gnomAD); Missense variants in this gene are a common cause of disease and they are underrepresented in the general population; In silico analysis supports that this missense variant has a deleterious effect on protein structure/function; Has not been previously published as pathogenic or benign to our knowledge

NM_005518.4(HMGCS2):c.881A>C (p.Asp294Ala)

Gene: HMGCS2 (3-hydroxy-3-methylglutaryl-CoA synthase 2; minus strand). Cytogenetic location: 1p12.
Variant type: single nucleotide variant.
Coding change: c.881A>C on transcript NM_005518.4 (MANE Select); coding-DNA position 881, A replaced by C.
Protein change: p.Asp294Ala; replaces aspartic acid 294 with alanine.
Molecular consequence: missense variant.
Genome position (GRCh38, 1-based): chr1:119,757,408, T>G on the plus strand (A>C on the coding strand, the complement: HMGCS2 is on the minus strand). VCF-style: chr1-119757408-T-G. GRCh37 (hg19) VCF-style: chr1-120300031-T-G.
Other names: c.755A>C, p.Asp252Ala (NM_001166107.1); short protein forms D252A, D294A.
Identifiers: ClinVar variation 5017731 (VCV005017731.1).